The following is an entry in ClinVar:

NM_001458.5(FLNC):c.1591G>A (p.Gly531Ser)

Gene: FLNC (filamin C; plus strand). Cytogenetic location: 7q32.1.
Variant type: single nucleotide variant.
Coding change: c.1591G>A on transcript NM_001458.5 (MANE Select); coding-DNA position 1591, G replaced by A.
Protein change: p.Gly531Ser; replaces glycine 531 with serine.
Molecular consequence: missense variant.
Genome position (GRCh38, 1-based): chr7:128,840,589, G>A. VCF-style: chr7-128840589-G-A. GRCh37 (hg19) VCF-style: chr7-128480643-G-A.
Other names: c.1591G>A, p.Gly531Ser (NM_001127487.2); c.1591G>A (NM_001458.4); short protein forms G531S.
Identifiers: ClinVar variation 1447792 (VCV001447792.8), dbSNP rs779855512, ClinGen allele CA4474405.

ClinVar aggregate classification (germline): Uncertain significance. Review status: criteria provided, multiple submitters, no conflicts (2 of 4 stars). 3 submissions from 3 submitters: Uncertain significance (3). Last evaluated 2025-04-09.

Conditions:
Distal myopathy with posterior leg and anterior hand involvement. Also called: WILLIAMS DISTAL MYOPATHY. Identifiers: Orphanet 63273, MedGen C3279722, MONDO:0013550, OMIM 614065.
Dilated Cardiomyopathy, Dominant.
Hypertrophic cardiomyopathy 26. Also called: Cardiomyopathy, familial hypertrophic, 26. Identifiers: Orphanet 75249, MedGen C4310749, MONDO:0014883, OMIM 617047.
Myofibrillar myopathy 5. Also called: Filaminopathy (type); FILAMINOPATHY, AUTOSOMAL DOMINANT. Identifiers: Orphanet 171445, MedGen C1836050, MONDO:0012289, OMIM 609524.
Cardiovascular phenotype. Identifiers: MedGen CN230736.

Allele frequency attached by ClinVar (database versions not stated): ExAC 0.00001; gnomAD 0.00001; gnomAD exomes 0.00001; TOPMed 0.00001.
gnomAD v4.1: 6 of 1,614,108 alleles (0.00037%); highest among the groups gnomAD compares: Non-Finnish European, 0.00051%; no homozygotes.

Submissions (3):

Molecular Diagnostic Laboratory for Inherited Cardiovascular Disease, Montreal Heart Institute
Classification: Uncertain significance for Cardiovascular phenotype. Last evaluated: 2025-04-09. Review status: criteria provided, single submitter. Criteria: ACMG Guidelines, 2015. Collection method: clinical testing. Allele origin: germline. Affected: yes.
Comment: PM2

Labcorp Genetics (formerly Invitae), Labcorp
Classification: Uncertain significance for Distal myopathy with posterior leg and anterior hand involvement; Myofibrillar myopathy 5; Hypertrophic cardiomyopathy 26. Last evaluated: 2022-03-18. Review status: criteria provided, single submitter. Criteria: Invitae Variant Classification Sherloc (09022015). Collection method: clinical testing. Allele origin: germline.
Comment: In summary, the available evidence is currently insufficient to determine the role of this variant in disease. Therefore, it has been classified as a Variant of Uncertain Significance. Algorithms developed to predict the effect of missense changes on protein structure and function (SIFT, PolyPhen-2, Align-GVGD) all suggest that this variant is likely to be tolerated. This variant has not been reported in the literature in individuals affected with FLNC-related conditions. This variant is present in population databases (rs779855512, gnomAD 0.002%). This sequence change replaces glycine, which is neutral and non-polar, with serine, which is neutral and polar, at codon 531 of the FLNC protein (p.Gly531Ser).

Blueprint Genetics
Classification: Uncertain significance. Last evaluated: 2019-09-19. Review status: criteria provided, single submitter. Criteria: ACMG Guidelines, 2015. Collection method: clinical testing. Allele origin: germline.